The following is an entry in ClinVar:

NM_000548.5(TSC2):c.1847A>G (p.Asp616Gly)

Gene: TSC2 (TSC complex subunit 2; plus strand). Cytogenetic location: 16p13.3.
Variant type: single nucleotide variant.
Coding change: c.1847A>G on transcript NM_000548.5 (MANE Select); coding-DNA position 1847, A replaced by G.
Protein change: p.Asp616Gly; replaces aspartic acid 616 with glycine.
Molecular consequence: missense variant.
Genome position (GRCh38, 1-based): chr16:2,071,517, A>G. VCF-style: chr16-2071517-A-G. GRCh37 (hg19) VCF-style: chr16-2121518-A-G.
Other names: c.1247A>G, p.Asp416Gly (NM_001406688.1, NM_001318831.2, NM_001406680.1 and 6 more transcripts); c.503A>G, p.Asp168Gly (NM_001406689.1, NM_001406690.1, NM_001406691.1 and 6 more transcripts); c.1847A>G, p.Asp616Gly (NM_001077183.3, NM_001114382.3, NM_001363528.2 and 6 more transcripts); c.1736A>G, p.Asp579Gly (NM_001318827.2, NM_001406678.1, NM_001406670.1); c.1700A>G, p.Asp567Gly (NM_001318829.2, NM_001406679.1, NM_001406675.1 and 1 more transcripts); c.1880A>G, p.Asp627Gly (NM_001318832.2); c.1790A>G, p.Asp597Gly (NM_001406677.1); c.1385A>G, p.Asp462Gly (NM_001406681.1); and 3 more; short protein forms D416G, D462G, D82G, D612G, D627G, D168G, D567G, D597G.
Identifiers: ClinVar variation 1993761 (VCV001993761.4), dbSNP rs2151296149, ClinGen allele CA394273042.

ClinVar aggregate classification (germline): Uncertain significance (1 of 4 stars; one submission).

Conditions:
Tuberous sclerosis 2 (TSC2). Identifiers: Orphanet 805, MedGen C1860707, MONDO:0013199, OMIM 613254.

Submission:

Labcorp Genetics (formerly Invitae), Labcorp
Classification: Uncertain significance for Tuberous sclerosis 2. Last evaluated: 2022-06-13. Review status: criteria provided, single submitter. Criteria: Invitae Variant Classification Sherloc (09022015). Collection method: clinical testing. Allele origin: germline.
Comment: In summary, the available evidence is currently insufficient to determine the role of this variant in disease. Therefore, it has been classified as a Variant of Uncertain Significance. Advanced modeling of protein sequence and biophysical properties (such as structural, functional, and spatial information, amino acid conservation, physicochemical variation, residue mobility, and thermodynamic stability) performed at Invitae indicates that this missense variant is not expected to disrupt TSC2 protein function. This variant has not been reported in the literature in individuals affected with TSC2-related conditions. This variant is not present in population databases (gnomAD no frequency). This sequence change replaces aspartic acid, which is acidic and polar, with glycine, which is neutral and non-polar, at codon 616 of the TSC2 protein (p.Asp616Gly).